The following is an entry in ClinVar:

ClinVar aggregate classification (germline): Pathogenic (1 of 4 stars; one submission).

Conditions:
Long QT syndrome (LQTS). Identifiers: MedGen C0023976, MeSH D008133, MONDO:0002442. Disease mechanism: loss of function. Inheritance: Various modes of inheritance.

Submission:

Labcorp Genetics (formerly Invitae), Labcorp
Classification: Pathogenic for Long QT syndrome. Last evaluated: 2024-09-26. Review status: criteria provided, single submitter. Criteria: Invitae Variant Classification Sherloc (09022015). Collection method: clinical testing. Allele origin: germline.
Comment: This sequence change creates a premature translational stop signal (p.Phe891Serfs*86) in the KCNH2 gene. It is expected to result in an absent or disrupted protein product. Loss-of-function variants in KCNH2 are known to be pathogenic (PMID: 10973849, 19862833). This variant is not present in population databases (gnomAD no frequency). This variant has not been reported in the literature in individuals affected with KCNH2-related conditions. For these reasons, this variant has been classified as Pathogenic.

Literature cited by the submitters: PubMed 10973849; PubMed 19862833.

NM_000238.4(KCNH2):c.2662_2669dup (p.Phe891fs)

Gene: KCNH2 (potassium voltage-gated channel subfamily H member 2; minus strand). Cytogenetic location: 7q36.1.
Variant type: Duplication.
Coding change: c.2662_2669dup on transcript NM_000238.4 (MANE Select); coding-DNA positions 2662 to 2669, 8 bases duplicated (AAGTTGTC; older notation c.2662_2669dupAAGTTGTC).
Protein change: p.Phe891fs; shifts the reading frame from phenylalanine 891.
Molecular consequence: frameshift variant. On other transcripts: non-coding transcript variant (2).
Genome position (GRCh38, 1-based): chr7:150,948,467-150,948,474, GACAACTT duplicated on the plus strand (AAGTTGTC on the coding strand, the reverse complement: KCNH2 is on the minus strand); duplicating any 8 consecutive bases within chr7:150,948,467-150,948,475 gives the same sequence; the c. name uses the placement nearest the transcript's 3' end. VCF-style (leftmost placement, unchanged base first): chr7-150948466-G-GGACAACTT. GRCh37 (hg19) VCF-style: chr7-150645554-G-GGACAACTT.
Other names: c.2374_2381dup, p.Phe795fs (NM_001406753.1); c.1642_1649dup, p.Phe551fs (NM_172057.3); short protein forms F891fs, F551fs, F795fs.
Identifiers: ClinVar variation 3721525 (VCV003721525.2).